The following is an entry in ClinVar:

NM_058195.4(CDKN2A):c.153G>A (p.Arg51=)

Gene: CDKN2A (cyclin dependent kinase inhibitor 2A; minus strand). Cytogenetic location: 9p21.3.
Variant type: single nucleotide variant.
Coding change: c.153G>A on transcript NM_058195.4 (MANE Plus Clinical); coding-DNA position 153, G replaced by A.
Protein change: p.Arg51=; no amino-acid change (arginine 51 retained).
Molecular consequence: synonymous variant. On other transcripts: intron variant (1).
Genome position (GRCh38, 1-based): chr9:21,994,179, C>T on the plus strand (G>A on the coding strand, the complement: CDKN2A is on the minus strand). VCF-style: chr9-21994179-C-T. GRCh37 (hg19) VCF-style: chr9-21994178-C-T.
Other names: c.-4+642G>A (NM_001363763.2).
Identifiers: ClinVar variation 1099059 (VCV001099059.8), dbSNP rs773369448, ClinGen allele CA5012381.
Genomic context (GRCh38, chr9:21,994,179, plus strand): 5'-TTTTCGAGGGCCTTTCCTACCTGGTCTTCTAGGAAGCGGCTGCTGCCCTAGACGCTGGCT[C>T]CTCAGTAGCATCAGCACGAGGGCCACAGCGGCGGGCGCCCCTGGCGCTGCCCACTCCCCC-3'
Protein context (NP_478102.2, residues 41-61): AAVALVLMLL[Arg51=]SQRLGQQPLP

ClinVar aggregate classification (germline): Benign/Likely benign. Review status: criteria provided, multiple submitters, no conflicts (2 of 4 stars). 3 submissions from 3 submitters: Benign (1); Likely benign (2). Last evaluated 2025-08-12.

Conditions:
Familial melanoma. Also called: Hereditary melanoma; Hereditary cutaneous melanoma. Identifiers: Orphanet 618, MedGen C1512419, MONDO:0018961.
Melanoma-pancreatic cancer syndrome. Identifiers: Orphanet 404560, MedGen C1838547, MONDO:0011713, OMIM 606719. Disease mechanism: loss of function.
Hereditary cancer-predisposing syndrome. Also called: Neoplastic Syndromes, Hereditary; Tumor predisposition; Hereditary Cancer Syndrome; Hereditary neoplastic syndrome. Identifiers: Orphanet 140162, MedGen C0027672, MeSH D009386, MONDO:0015356.

Allele frequency attached by ClinVar (database versions not stated): gnomAD exomes below 0.00001 and 0.00001; ExAC 0.00001.
gnomAD v4.1: 5 of 1,605,146 alleles (0.00031%); highest among the groups gnomAD compares: Non-Finnish European, 0.00034%; no homozygotes.

Submissions (3):

Myriad Genetics, Inc.
Classification: Benign for Melanoma-pancreatic cancer syndrome. Last evaluated: 2025-08-12. Review status: criteria provided, single submitter. Criteria: Myriad Autosomal Dominant, Autosomal Recessive and X-Linked Classification Criteria (2023). Collection method: clinical testing. Allele origin: unknown.
Comment: This variant is considered benign. This variant is a silent/synonymous amino acid change and it is not expected to impact splicing.

Ambry Genetics
Classification: Likely benign for Hereditary cancer-predisposing syndrome. Last evaluated: 2021-08-16. Review status: criteria provided, single submitter. Criteria: Ambry Variant Classification Scheme 2023. Collection method: clinical testing. Allele origin: germline.

Labcorp Genetics (formerly Invitae), Labcorp
Classification: Likely benign for Familial melanoma. Last evaluated: 2021-07-12. Review status: criteria provided, single submitter. Criteria: Invitae Variant Classification Sherloc (09022015). Collection method: clinical testing. Allele origin: germline.